The following is an entry in ClinVar:

NM_001077365.2(POMT1):c.806C>T (p.Ser269Phe)

Gene: POMT1 (protein O-mannosyltransferase 1; plus strand). Cytogenetic location: 9q34.13.
Variant type: single nucleotide variant.
Coding change: c.806C>T on transcript NM_001077365.2 (MANE Select); coding-DNA position 806, C replaced by T.
Protein change: p.Ser269Phe; replaces serine 269 with phenylalanine.
Molecular consequence: missense variant. On other transcripts: synonymous variant (1), non-coding transcript variant (10), 5 prime UTR variant (1).
Genome position (GRCh38, 1-based): chr9:131,510,366, C>T. VCF-style: chr9-131510366-C-T. GRCh37 (hg19) VCF-style: chr9-134385753-C-T.
Other names: c.644C>T, p.Ser215Phe (NM_001077366.2, NM_001353194.2, NM_001374693.1); c.806C>T, p.Ser269Phe (NM_001136113.2, NM_001374690.1); c.455C>T, p.Ser152Phe (NM_001136114.2, NM_001353195.2, NM_001374691.1 and 1 more transcripts); c.872C>T, p.Ser291Phe (NM_001353193.2, NM_007171.4); c.716C>T, p.Ser239Phe (NM_001353196.2); c.710C>T, p.Ser237Phe (NM_001353197.2, NM_001353198.2); c.521C>T, p.Ser174Phe (NM_001353199.2); c.350C>T, p.Ser117Phe (NM_001353200.2); and 3 more; short protein forms S117F, S139F, S152F, S174F, S215F, S237F, S239F, S269F.
Identifiers: ClinVar variation 4527528 (VCV004527528.1).

ClinVar aggregate classification (germline): Uncertain significance (1 of 4 stars; one submission).

gnomAD v4.1: 1 of 1,614,096 alleles (0.000062%); highest among the groups gnomAD compares: African/African-American, 0.0013%; no homozygotes.

Submission:

GeneDx
Classification: Uncertain significance. Last evaluated: 2025-04-29. Review status: criteria provided, single submitter. Criteria: GeneDx Variant Classification Process June 2021. Collection method: clinical testing. Allele origin: germline. Affected: yes.
Comment: Not observed at significant frequency in large population cohorts (gnomAD); In silico analysis supports that this missense variant has a deleterious effect on protein structure/function; Has not been previously published as pathogenic or benign to our knowledge; This variant is associated with the following publications: (PMID: 22549409)